The following is an entry in ClinVar:

NM_015046.7(SETX):c.7200-11_7200-10del

Genes: SETX (senataxin; minus strand), LOC126860782 (P300/CBP strongly-dependent group 1 enhancer GRCh37_chr9:135144739-135145938; plus strand). Cytogenetic location: 9q34.13.
Variant type: Deletion.
Coding change: c.7200-11_7200-10del on transcript NM_015046.7 (MANE Select); 11 bases into the intron before coding-DNA position 7200 through 10 bases into the intron before coding-DNA position 7200, 2 bases deleted (TT; older notation c.7200-11_7200-10delTT).
Molecular consequence: intron variant.
Genome position (GRCh38, 1-based): chr9:132,269,712-132,269,713, AA deleted on the plus strand (TT on the coding strand, the reverse complement: SETX is on the minus strand); deleting any 2 consecutive bases within chr9:132,269,712-132,269,718 gives the same sequence; the c. name uses the placement nearest the transcript's 3' end. VCF-style (leftmost placement, unchanged base first): chr9-132269711-TAA-T. GRCh37 (hg19) VCF-style: chr9-135145098-TAA-T.
Other names: c.7200-11_7200-10delTT (NM_015046.7); c.7200-11_7200-10del (NM_001351528.2, NM_001351527.2, NM_015046.5).
Identifiers: ClinVar variation 440265 (VCV000440265.25), dbSNP rs531485265, ClinGen allele CA5296463.

ClinVar aggregate classification (germline): Conflicting classifications of pathogenicity. Review status: criteria provided, conflicting classifications (1 of 4 stars). 6 submissions from 6 submitters: Uncertain significance (1); Benign (4). 1 of the submissions does not count toward it. Last evaluated 2026-09-05.

Conditions:
Spinocerebellar ataxia, autosomal recessive, with axonal neuropathy 2 (SCAN2). Also called: Ataxia-ocular apraxia-2; ATAXIA-OCULOMOTOR APRAXIA 2; Ataxia with Oculomotor Apraxia Type 2; Ataxia with Oculomotor Apraxia. Identifiers: Orphanet 64753, MedGen C1853761, MONDO:0018996, OMIM 606002.
Amyotrophic lateral sclerosis type 4 (ALS4). Also called: AMYOTROPHIC LATERAL SCLEROSIS 4, JUVENILE; NEURONOPATHY, DISTAL HEREDITARY MOTOR, WITH PYRAMIDAL FEATURES. Identifiers: Orphanet 357043, MedGen C1865409, MONDO:0011223, OMIM 602433.
SETX-related disorder. Also called: SETX-related condition; SETX-related disorders. Identifiers: MedGen CN239403.

Submissions (6):

GeneDx
Classification: Uncertain significance. Last evaluated: 2026-09-05. Review status: criteria provided, single submitter. Criteria: GeneDx Variant Classification Process June 2021. Collection method: clinical testing. Allele origin: germline.
Comment: Has not been previously published as pathogenic or benign to our knowledge; In silico analysis is inconclusive as to whether the variant alters gene splicing. In the absence of RNA/functional studies, the actual effect of this sequence change is unknown.

Women's Health and Genetics/Laboratory Corporation of America, LabCorp
Classification: Benign. Last evaluated: 2025-10-31. Review status: criteria provided, single submitter. Criteria: LabCorp Variant Classification Summary - May 2015. Collection method: clinical testing. Allele origin: germline.
Comment: Variant summary: SETX c.7200-11_7200-10delTT alters a conserved nucleotide located at a position not widely known to affect splicing. Computational tools predict a significant impact on normal splicing: Three predict the variant weakens a canonical 3' acceptor site. One predicts the variant has no significant impact on splicing. However, these predictions have yet to be confirmed by functional studies. The variant allele was found at a frequency of 0.00021 in 251414 control chromosomes, predominantly at a frequency of 0.0025 within the African or African-American subpopulation in the gnomAD database. The observed variant frequency within African or African-American control individuals in the gnomAD database exceeds the estimated maximal expected allele frequency for disease-causing variants in SETX. To our knowledge, no occurrence of c.7200-11_7200-10delTT in individuals affected with SETX-related conditions and no experimental evidence demonstrating its impact on protein function have been reported. ClinVar contains an entry for this variant (Variation ID: 440265). Based on the evidence outlined above, the variant was classified as benign.

Labcorp Genetics (formerly Invitae), Labcorp
Classification: Benign for Amyotrophic lateral sclerosis type 4; Spinocerebellar ataxia, autosomal recessive, with axonal neuropathy 2. Last evaluated: 2025-08-30. Review status: criteria provided, single submitter. Criteria: Invitae Variant Classification Sherloc (09022015). Collection method: clinical testing. Allele origin: germline.

Athena Diagnostics
Classification: Benign. Last evaluated: 2018-10-04. Review status: criteria provided, single submitter. Criteria: Athena Diagnostics Criteria. Collection method: clinical testing. Allele origin: germline.

ARUP Laboratories, Molecular Genetics and Genomics, ARUP Laboratories
Classification: Benign. Last evaluated: 2017-01-31. Review status: criteria provided, single submitter. Criteria: ARUP Molecular Germline Variant Investigation Process. Collection method: clinical testing. Allele origin: germline.

PreventionGenetics, part of Exact Sciences
Classification: Likely benign for SETX-related condition. Last evaluated: 2019-03-04. Review status: no assertion criteria provided. Collection method: clinical testing. Allele origin: germline. Not counted in ClinVar's aggregate classification.
Comment: This variant is classified as likely benign based on ACMG/AMP sequence variant interpretation guidelines (Richards et al. 2015 PMID: 25741868, with internal and published modifications).